The following is an entry in ClinVar:

NM_017999.5(RNF31):c.179A>G (p.Asn60Ser)

Gene: RNF31 (ring finger protein 31; plus strand). Cytogenetic location: 14q12.
Variant type: single nucleotide variant.
Coding change: c.179A>G on transcript NM_017999.5 (MANE Select); coding-DNA position 179, A replaced by G.
Protein change: p.Asn60Ser; replaces asparagine 60 with serine.
Molecular consequence: missense variant. On other transcripts: intron variant (1).
Genome position (GRCh38, 1-based): chr14:24,147,877, A>G. VCF-style: chr14-24147877-A-G. GRCh37 (hg19) VCF-style: chr14-24617086-A-G.
Other names: c.-325-99A>G (NM_001310332.2); c.179A>G (NM_017999.4); short protein forms N60S.
Identifiers: ClinVar variation 1426351 (VCV001426351.7), dbSNP rs746401660, ClinGen allele CA7125375.

ClinVar aggregate classification (germline): Uncertain significance. Review status: criteria provided, multiple submitters, no conflicts (2 of 4 stars). 2 submissions from 2 submitters: Uncertain significance (2). Last evaluated 2025-12-09.

Allele frequency attached by ClinVar (database versions not stated): gnomAD exomes 0.00005 and 0.00008; ExAC 0.00006; gnomAD 0.00009; TOPMed 0.00026.

Submissions (2):

Labcorp Genetics (formerly Invitae), Labcorp
Classification: Uncertain significance. Last evaluated: 2025-12-09. Review status: criteria provided, single submitter. Criteria: Invitae Variant Classification Sherloc (09022015). Collection method: clinical testing. Allele origin: germline.
Comment: This sequence change replaces asparagine, which is neutral and polar, with serine, which is neutral and polar, at codon 60 of the RNF31 protein (p.Asn60Ser). This variant is present in population databases (rs746401660, gnomAD 0.02%). This variant has not been reported in the literature in individuals affected with RNF31-related conditions. ClinVar contains an entry for this variant (Variation ID: 1426351). An algorithm developed to predict the effect of missense changes on protein structure and function (PolyPhen-2) suggests that this variant is likely to be disruptive. In summary, the available evidence is currently insufficient to determine the role of this variant in disease. Therefore, it has been classified as a Variant of Uncertain Significance.

Ambry Genetics
Classification: Uncertain significance. Last evaluated: 2024-03-01. Review status: criteria provided, single submitter. Criteria: Ambry Variant Classification Scheme 2023. Collection method: clinical testing. Allele origin: germline.